The following is an entry in ClinVar:

ClinVar aggregate classification (germline): Likely benign. Review status: criteria provided, multiple submitters, no conflicts (2 of 4 stars). 4 submissions from 4 submitters: Likely benign (3). 1 of the submissions does not count toward it. Last evaluated 2026-01-26.

Conditions:
Inborn genetic diseases. Identifiers: MedGen C0950123, MeSH D030342.
Amyotrophic lateral sclerosis type 6. Also called: Amyotrophic lateral sclerosis 6, with or without frontotemporal dementia; FUS-Related Amyotrophic Laterial Sclerosis; AMYOTROPHIC LATERAL SCLEROSIS 6 WITHOUT FRONTOTEMPORAL DEMENTIA. Identifiers: Orphanet 275872, Orphanet 803, MedGen C2931786, MONDO:0011951, OMIM 608030.
Tremor, hereditary essential, 4 (ETM4). Identifiers: MedGen C3539195, MONDO:0013888, OMIM 614782.
FUS-related disorder. Also called: FUS-related condition.

Allele frequency attached by ClinVar (database versions not stated): ExAC 0.00004; gnomAD exomes 0.00011 and 0.00012; TOPMed 0.00012; gnomAD 0.00013 and 0.00014.
gnomAD v4.1: 203 of 1,604,260 alleles (0.013%); highest among the groups gnomAD compares: Middle Eastern, 0.067%; no homozygotes.

Submissions (4):

Labcorp Genetics (formerly Invitae), Labcorp
Classification: Likely benign for Tremor, hereditary essential, 4; Amyotrophic lateral sclerosis type 6. Last evaluated: 2026-01-26. Review status: criteria provided, single submitter. Criteria: Invitae Variant Classification Sherloc (09022015). Collection method: clinical testing. Allele origin: germline.

Ambry Genetics
Classification: Likely benign for Inborn genetic diseases. Last evaluated: 2024-11-09. Review status: criteria provided, single submitter. Criteria: Ambry Variant Classification Scheme 2023. Collection method: clinical testing. Allele origin: germline.

Illumina Laboratory Services, Illumina
Classification: Likely benign for Amyotrophic lateral sclerosis type 6. Last evaluated: 2018-01-12. Review status: criteria provided, single submitter. Criteria: ICSL Variant Classification Criteria 13 December 2019. Collection method: clinical testing. Allele origin: germline.
Comment: This variant was observed in the ICSL laboratory as part of a predisposition screen in an ostensibly healthy population. It had not been previously curated by ICSL or reported in the Human Gene Mutation Database (HGMD: prior to June 1st, 2018), and was therefore a candidate for classification through an automated scoring system. Utilizing variant allele frequency, disease prevalence and penetrance estimates, and inheritance mode, an automated score was calculated to assess if this variant is too frequent to cause the disease. Based on the score and internal cut-off values, a variant classified as likely benign is not then subjected to further curation. The score for this variant resulted in a classification of likely benign for this disease.

PreventionGenetics, part of Exact Sciences
Classification: Likely benign for FUS-related condition. Last evaluated: 2024-05-02. Review status: no assertion criteria provided. Collection method: clinical testing. Allele origin: germline. Not counted in ClinVar's aggregate classification.
Comment: This variant is classified as likely benign based on ACMG/AMP sequence variant interpretation guidelines (Richards et al. 2015 PMID: 25741868, with internal and published modifications).

NM_004960.4(FUS):c.687T>C (p.Gly229=)

Gene: FUS (FUS RNA binding protein; plus strand). Cytogenetic location: 16p11.2.
Variant type: single nucleotide variant.
Coding change: c.687T>C on transcript NM_004960.4 (MANE Select); coding-DNA position 687, T replaced by C.
Protein change: p.Gly229=; no amino-acid change (glycine 229 retained).
Molecular consequence: synonymous variant. On other transcripts: non-coding transcript variant (1).
Genome position (GRCh38, 1-based): chr16:31,185,102, T>C. VCF-style: chr16-31185102-T-C. GRCh37 (hg19) VCF-style: chr16-31196423-T-C.
Other names: c.684T>C, p.Gly228= (NM_001170634.1); c.675T>C, p.Gly225= (NM_001170937.1).
Identifiers: ClinVar variation 884518 (VCV000884518.15), dbSNP rs781445592, ClinGen allele CA8023765.